The following is an entry in ClinVar:

NM_000264.5(PTCH1):c.584+10G>A

Gene: PTCH1 (patched 1; minus strand). Cytogenetic location: 9q22.32.
Variant type: single nucleotide variant.
Coding change: c.584+10G>A on transcript NM_000264.5 (MANE Select); 10 bases into the intron after coding-DNA position 584, G replaced by A.
Molecular consequence: intron variant.
Genome position (GRCh38, 1-based): chr9:95,485,675, C>T on the plus strand (G>A on the coding strand, the complement: PTCH1 is on the minus strand). VCF-style: chr9-95485675-C-T. GRCh37 (hg19) VCF-style: chr9-98247957-C-T.
Other names: c.581+10G>A (NM_001083603.3); c.386+10G>A (NM_001083602.3, NM_001354919.2); c.584+10G>A (NM_001354918.2); c.131+10G>A (NM_001083605.3, NM_001083604.3, NM_001083606.3 and 1 more transcripts).
Identifiers: ClinVar variation 215705 (VCV000215705.15), dbSNP rs765713791, ClinGen allele CA336664.

ClinVar aggregate classification (germline): Benign/Likely benign. Review status: criteria provided, multiple submitters, no conflicts (2 of 4 stars). 4 submissions from 4 submitters: Benign (1); Likely benign (2). 1 of the submissions does not count toward it. Last evaluated 2026-02-03.

Conditions:
Basal cell carcinoma, susceptibility to, 1. Also called: BCC1. Identifiers: MedGen C2751544, MONDO:0011556, OMIM 605462.
Gorlin syndrome. Also called: Nevoid Basal Cell Carcinoma Syndrome; Basal cell nevus syndrome. Identifiers: Orphanet 377, MedGen C0004779, MONDO:0007187.
Holoprosencephaly 7 (HPE7). Identifiers: Orphanet 2162, MedGen C1835820, MONDO:0012562, OMIM 610828.
PTCH1-related disorder. Also called: PTCH1-related disorders; PTCH1-related condition.

Allele frequency attached by ClinVar (database versions not stated): ExAC 0.00003; gnomAD 0.00004; gnomAD exomes 0.00004 and 0.00005; TOPMed 0.00005.

Submissions (4):

Labcorp Genetics (formerly Invitae), Labcorp
Classification: Likely benign for Gorlin syndrome. Last evaluated: 2026-02-03. Review status: criteria provided, single submitter. Criteria: Invitae Variant Classification Sherloc (09022015). Collection method: clinical testing. Allele origin: germline.

Fulgent Genetics
Classification: Likely benign for Basal cell nevus syndrome 1; Basal cell carcinoma, susceptibility to, 1; Holoprosencephaly 7. Last evaluated: 2021-10-18. Review status: criteria provided, single submitter. Criteria: ACMG Guidelines, 2015. Collection method: clinical testing. Allele origin: unknown.

Quest Diagnostics Nichols Institute San Juan Capistrano
Classification: Benign. Last evaluated: 2021-07-24. Review status: criteria provided, single submitter. Criteria: Quest Diagnostics criteria. Collection method: clinical testing. Allele origin: unknown.

PreventionGenetics, part of Exact Sciences
Classification: Likely benign for PTCH1-related condition. Last evaluated: 2019-09-26. Review status: no assertion criteria provided. Collection method: clinical testing. Allele origin: germline. Not counted in ClinVar's aggregate classification.
Comment: This variant is classified as likely benign based on ACMG/AMP sequence variant interpretation guidelines (Richards et al. 2015 PMID: 25741868, with internal and published modifications).